The following is an entry in ClinVar:

NM_004960.4(FUS):c.147C>A (p.Gly49=)

Gene: FUS (FUS RNA binding protein; plus strand). Cytogenetic location: 16p11.2.
Variant type: single nucleotide variant.
Coding change: c.147C>A on transcript NM_004960.4 (MANE Select); coding-DNA position 147, C replaced by A.
Protein change: p.Gly49=; no amino-acid change (glycine 49 retained).
Molecular consequence: synonymous variant. On other transcripts: non-coding transcript variant (1).
Genome position (GRCh38, 1-based): chr16:31,182,621, C>A. VCF-style: chr16-31182621-C-A. GRCh37 (hg19) VCF-style: chr16-31193942-C-A.
Other names: p.Gly49=; c.147C>A, p.Gly49= (NM_001170634.1, NM_001170937.1).
Identifiers: ClinVar variation 259594 (VCV000259594.27), dbSNP rs741810, ClinGen allele CA8023451.

ClinVar aggregate classification (germline): Benign. Review status: criteria provided, multiple submitters, no conflicts (2 of 4 stars). 13 submissions from 13 submitters: Benign (8). 5 of the submissions do not count toward it. Last evaluated 2026-02-04.

Conditions:
Amyotrophic lateral sclerosis type 6. Also called: FUS-Related Amyotrophic Laterial Sclerosis; AMYOTROPHIC LATERAL SCLEROSIS 6 WITHOUT FRONTOTEMPORAL DEMENTIA; Amyotrophic lateral sclerosis 6, with or without frontotemporal dementia. Identifiers: Orphanet 275872, Orphanet 803, MedGen C2931786, MONDO:0011951, OMIM 608030.
Tremor, hereditary essential, 4 (ETM4). Identifiers: MedGen C3539195, MONDO:0013888, OMIM 614782.

Allele frequency attached by ClinVar (database versions not stated): gnomAD 0.25273 and 0.24179; 1000 Genomes Project 30x 0.27686; 1000 Genomes Project 0.27895; ESP Exome Variant Server 0.21672; TOPMed 0.23328.
gnomAD v4.1: 504,532 of 1,613,822 alleles (31%); highest among the groups gnomAD compares: South Asian, 51%; 84,595 homozygotes.

Submissions (13):

Labcorp Genetics (formerly Invitae), Labcorp
Classification: Benign for Tremor, hereditary essential, 4; Amyotrophic lateral sclerosis type 6. Last evaluated: 2026-02-04. Review status: criteria provided, single submitter. Criteria: Invitae Variant Classification Sherloc (09022015). Collection method: clinical testing. Allele origin: germline.

Genome-Nilou Lab
Classification: Benign for Tremor, hereditary essential, 4. Last evaluated: 2021-08-10. Review status: criteria provided, single submitter. Criteria: ACMG Guidelines, 2015. Collection method: clinical testing. Allele origin: germline. Affected: no.

GeneDx
Classification: Benign. Last evaluated: 2018-08-13. Review status: criteria provided, single submitter. Criteria: GeneDx Variant Classification Process June 2021. Collection method: clinical testing. Allele origin: germline. Affected: yes.

Illumina Laboratory Services, Illumina
Classification: Benign for Amyotrophic lateral sclerosis type 6. Last evaluated: 2018-01-13. Review status: criteria provided, single submitter. Criteria: ICSL Variant Classification Criteria 13 December 2019. Collection method: clinical testing. Allele origin: germline.
Comment: This variant was observed in the ICSL laboratory as part of a predisposition screen in an ostensibly healthy population. It had not been previously curated by ICSL or reported in the Human Gene Mutation Database (HGMD: prior to June 1st, 2018), and was therefore a candidate for classification through an automated scoring system. Utilizing variant allele frequency, disease prevalence and penetrance estimates, and inheritance mode, an automated score was calculated to assess if this variant is too frequent to cause the disease. Based on the score and internal cut-off values, a variant classified as benign is not then subjected to further curation. The score for this variant resulted in a classification of benign for this disease.

Mayo Clinic Laboratories, Mayo Clinic
Classification: Benign. Last evaluated: 2017-07-24. Review status: criteria provided, single submitter. Criteria: ACMG Guidelines, 2015. Collection method: clinical testing. Allele origin: germline. Observed: 729 variant alleles.

Athena Diagnostics
Classification: Benign for Amyotrophic lateral sclerosis type 6. Last evaluated: 2017-04-14. Review status: criteria provided, single submitter. Criteria: Athena Diagnostics Criteria. Collection method: clinical testing. Allele origin: germline.

Breakthrough Genomics
Classification: Benign. Review status: criteria provided, single submitter. Criteria: ACMG Guidelines, 2015. Collection method: not provided. Allele origin: germline. Inheritance: Autosomal dominant inheritance. Affected: yes.

PreventionGenetics, part of Exact Sciences
Classification: Benign. Review status: criteria provided, single submitter. Criteria: ACMG Guidelines, 2015. Collection method: clinical testing. Allele origin: germline.

Clinical Genetics DNA and cytogenetics Diagnostics Lab, Erasmus MC, Erasmus Medical Center
Classification: Benign. Review status: no assertion criteria provided. Collection method: clinical testing. Allele origin: germline. Affected: yes. Study: VKGL Data-share Consensus. Not counted in ClinVar's aggregate classification.

Clinical Genetics, Academic Medical Center
Classification: Benign. Review status: no assertion criteria provided. Collection method: clinical testing. Allele origin: germline. Affected: yes. Study: VKGL Data-share Consensus. Not counted in ClinVar's aggregate classification.

Diagnostic Laboratory, Department of Genetics, University Medical Center Groningen
Classification: Benign. Review status: no assertion criteria provided. Collection method: clinical testing. Allele origin: germline. Affected: yes. Study: VKGL Data-share Consensus. Not counted in ClinVar's aggregate classification.

Genome Diagnostics Laboratory, Amsterdam University Medical Center
Classification: Benign. Review status: no assertion criteria provided. Collection method: clinical testing. Allele origin: germline. Affected: yes. Study: VKGL Data-share Consensus. Not counted in ClinVar's aggregate classification.

Genome Diagnostics Laboratory, University Medical Center Utrecht
Classification: Benign. Review status: no assertion criteria provided. Collection method: clinical testing. Allele origin: germline. Affected: yes. Study: VKGL Data-share Consensus. Not counted in ClinVar's aggregate classification.